The following is an entry in ClinVar:

ClinVar aggregate classification (germline): Likely benign (0 of 4 stars; one submission).

Conditions:
BRWD1-related disorder. Also called: BRWD1-related condition.

Allele frequency attached by ClinVar (database versions not stated): gnomAD exomes 0.00007; ExAC 0.00017; ESP Exome Variant Server 0.00054; gnomAD 0.00064; 1000 Genomes Project 30x 0.00078; TOPMed 0.00079; 1000 Genomes Project 0.00080.
gnomAD v4.1: 195 of 1,614,110 alleles (0.012%); highest among the groups gnomAD compares: African/African-American, 0.24%; no homozygotes.

Submission:

PreventionGenetics, part of Exact Sciences
Classification: Likely benign for BRWD1-related condition. Last evaluated: 2019-04-11. Review status: no assertion criteria provided. Collection method: clinical testing. Allele origin: germline.
Comment: This variant is classified as likely benign based on ACMG/AMP sequence variant interpretation guidelines (Richards et al. 2015 PMID: 25741868, with internal and published modifications).

NM_033656.4(BRWD1):c.4642T>A (p.Ser1548Thr)

Gene: BRWD1 (bromodomain and WD repeat domain containing 1; minus strand). Cytogenetic location: 21q22.2.
Variant type: single nucleotide variant.
Coding change: c.4642T>A on transcript NM_033656.4 (MANE Select); coding-DNA position 4642, T replaced by A.
Protein change: p.Ser1548Thr; replaces serine 1548 with threonine.
Molecular consequence: missense variant.
Genome position (GRCh38, 1-based): chr21:39,200,330, A>T on the plus strand (T>A on the coding strand, the complement: BRWD1 is on the minus strand). VCF-style: chr21-39200330-A-T. GRCh37 (hg19) VCF-style: chr21-40572256-A-T.
Other names: c.4642T>A, p.Ser1548Thr (NM_018963.5); short protein forms S1548T.
Identifiers: ClinVar variation 3047151 (VCV003047151.2), dbSNP rs138123017, ClinGen allele CA10026637.
Genomic context (GRCh38, chr21:39,200,330, plus strand): 5'-TGGATAGCCCACTGCGTGAGGAGGATTCACGAGCTCTGGAACTCTCTTTGCTTTCCTCAG[A>T]ACTACTGGAAGCTGACGATGACAAAGAGGTAGCTAAAGAATCTTCCACTTCACTTTCTAG-3'
Protein context (NP_387505.1, residues 1538-1558): TSLSSSASSS[Ser1548Thr]EESKESSRAR